The following is an entry in ClinVar:

NM_001145308.5(LRTOMT):c.849del (p.Gln284fs)

Genes: ANAPC15 (anaphase promoting complex subunit 15; minus strand), LRTOMT (leucine rich transmembrane and O-methyltransferase domain containing; plus strand), TOMT (transmembrane O-methyltransferase; plus strand). Cytogenetic location: 11q13.4.
Variant type: Deletion.
Coding change: c.849del on transcript NM_001145308.5; coding-DNA position 849, one base deleted (T; older notation c.849delT).
Protein change: p.Gln284fs; shifts the reading frame from glutamine 284.
Molecular consequence: frameshift variant. On other transcripts: intron variant (10).
Genome position (GRCh38, 1-based): chr11:72,108,898, T deleted. VCF-style (leftmost placement, unchanged base first): chr11-72108897-CT-C. GRCh37 (hg19) VCF-style: chr11-71819943-CT-C.
Other names: c.750del, p.Gln251fs (NM_001393500.2); c.849del, p.Gln284fs (NM_001145309.4); c.729del, p.Gln244fs (NM_001145310.4); c.63+1190del (NM_001393459.1); c.318+1190del (NM_001393430.1, NM_001393429.1, NM_001393428.1 and 3 more transcripts); c.319-23del (NM_001393443.1, NM_001393445.1, NM_001393444.1); short protein forms Q244fs, Q251fs, Q284fs.
Identifiers: ClinVar variation 3601223 (VCV003601223.1).

ClinVar aggregate classification (germline): Likely pathogenic (1 of 4 stars; one submission).

Conditions:
Autosomal recessive nonsyndromic hearing loss 63. Identifiers: Orphanet 90636, MedGen C1969621, MONDO:0012670, OMIM 611451.

Submission:

Institute of Rare Diseases, West China Hospital, Sichuan University
Classification: Likely pathogenic for Autosomal recessive nonsyndromic hearing loss 63. Last evaluated: 2025-01-09. Review status: criteria provided, single submitter. Criteria: ClinGen HL ACMG Specifications v1. Collection method: research. Allele origin: germline. Affected: yes.
Comment: PVS1;PM2_Supporting